The following is an entry in ClinVar:

NM_020436.5(SALL4):c.1472C>T (p.Ser491Leu)

Gene: SALL4 (spalt like transcription factor 4; minus strand). Cytogenetic location: 20q13.2.
Variant type: single nucleotide variant.
Coding change: c.1472C>T on transcript NM_020436.5 (MANE Select); coding-DNA position 1472, C replaced by T.
Protein change: p.Ser491Leu; replaces serine 491 with leucine.
Molecular consequence: missense variant. On other transcripts: intron variant (1).
Genome position (GRCh38, 1-based): chr20:51,791,011, G>A on the plus strand (C>T on the coding strand, the complement: SALL4 is on the minus strand). VCF-style: chr20-51791011-G-A. GRCh37 (hg19) VCF-style: chr20-50407550-G-A.
Other names: c.1150+322C>T (NM_001318031.2); c.1472C>T (NM_020436.4); short protein forms S491L.
Identifiers: ClinVar variation 2038237 (VCV002038237.7), dbSNP rs141604488, ClinGen allele CA9912285.
Genomic context (GRCh38, chr20:51,791,011, plus strand): 5'-GGCCCAGGCTGCAGGTCACCGGGCAAGGAGCCACCCGTGAGGTCCTTGGGATTAGTCCCC[G>A]AAGAAAGATTCTGAGGTAGCCCTACAGAGGTGGTTACAAGGACAGGTTTGCTGTCTAAAG-3'
Protein context (NP_065169.1, residues 481-501): TSVGLPQNLS[Ser491Leu]GTNPKDLTGG

ClinVar aggregate classification (germline): Conflicting classifications of pathogenicity. Review status: criteria provided, conflicting classifications (1 of 4 stars). 5 submissions from 5 submitters: Uncertain significance (3); Likely benign (1). 1 of the submissions does not count toward it. Last evaluated 2025-12-31.

Conditions:
Duane-radial ray syndrome (DRRS). Also called: Okihiro Syndrome; Duane-Radial Ray Syndrome (DRRS) / Okihiro Syndrome; ACRORENOOCULAR SYNDROME; DR SYNDROME; DUANE ANOMALY WITH RADIAL RAY ABNORMALITIES AND DEAFNESS; Duane-Radial Ray Syndrome/Okihiro Syndrome. Identifiers: Orphanet 93293, Orphanet 959, MedGen C1623209, MONDO:0011812, OMIM 607323. Disease mechanism: gain of function.
Inborn genetic diseases. Identifiers: MedGen C0950123, MeSH D030342.
Oculootoradial syndrome (IVIC). Also called: RADIAL RAY DEFECTS, HEARING IMPAIRMENT, EXTERNAL OPHTHALMOPLEGIA, AND THROMBOCYTOPENIA; IVIC syndrome. Identifiers: Orphanet 2307, MedGen C1327918, MONDO:0007836, OMIM 147750.
SALL4-Related Disorders. Also called: SALL4-related condition; SALL4-related disorder. Identifiers: MedGen CN381056.

Allele frequency attached by ClinVar (database versions not stated): ESP Exome Variant Server 0.00008; gnomAD 0.00009; TOPMed 0.00009.
gnomAD v4.1: 47 of 1,614,048 alleles (0.0029%); highest among the groups gnomAD compares: African/African-American, 0.023%; no homozygotes.

Submissions (5):

Labcorp Genetics (formerly Invitae), Labcorp
Classification: Uncertain significance for Duane-radial ray syndrome. Last evaluated: 2025-12-31. Review status: criteria provided, single submitter. Criteria: Invitae Variant Classification Sherloc (09022015). Collection method: clinical testing. Allele origin: germline.
Comment: This sequence change replaces serine, which is neutral and polar, with leucine, which is neutral and non-polar, at codon 491 of the SALL4 protein (p.Ser491Leu). This variant is present in population databases (rs141604488, gnomAD 0.01%). This variant has not been reported in the literature in individuals affected with SALL4-related conditions. ClinVar contains an entry for this variant (Variation ID: 2038237). An algorithm developed to predict the effect of missense changes on protein structure and function (PolyPhen-2) suggests that this variant is likely to be tolerated. In summary, the available evidence is currently insufficient to determine the role of this variant in disease. Therefore, it has been classified as a Variant of Uncertain Significance.

Ambry Genetics
Classification: Uncertain significance for Inborn genetic diseases. Last evaluated: 2025-10-07. Review status: criteria provided, single submitter. Criteria: Ambry Variant Classification Scheme 2023. Collection method: clinical testing. Allele origin: germline.

Blueprint Genetics
Classification: Likely benign. Last evaluated: 2024-09-06. Review status: criteria provided, single submitter. Criteria: ACMG Guidelines, 2015. Collection method: clinical testing. Allele origin: germline.

Fulgent Genetics
Classification: Uncertain significance for Oculootoradial syndrome; Duane-radial ray syndrome. Last evaluated: 2024-03-11. Review status: criteria provided, single submitter. Criteria: ACMG Guidelines, 2015. Collection method: clinical testing. Allele origin: germline.

PreventionGenetics, part of Exact Sciences
Classification: Likely benign for SALL4-related condition. Last evaluated: 2023-11-20. Review status: no assertion criteria provided. Collection method: clinical testing. Allele origin: germline. Not counted in ClinVar's aggregate classification.
Comment: This variant is classified as likely benign based on ACMG/AMP sequence variant interpretation guidelines (Richards et al. 2015 PMID: 25741868, with internal and published modifications).